The following is an entry in ClinVar:

NM_005188.4(CBL):c.1361A>G (p.Asn454Ser)

Gene: CBL (Cbl proto-oncogene; plus strand). Cytogenetic location: 11q23.3.
Variant type: single nucleotide variant.
Coding change: c.1361A>G on transcript NM_005188.4 (MANE Select); coding-DNA position 1361, A replaced by G.
Protein change: p.Asn454Ser; replaces asparagine 454 with serine.
Molecular consequence: missense variant.
Genome position (GRCh38, 1-based): chr11:119,278,643, A>G. VCF-style: chr11-119278643-A-G. GRCh37 (hg19) VCF-style: chr11-119149353-A-G.
Other names: short protein forms N454S.
Identifiers: ClinVar variation 1361881 (VCV001361881.8), dbSNP rs2135304767, ClinGen allele CA382914507.

ClinVar aggregate classification (germline): Uncertain significance (1 of 4 stars; one submission).

Conditions:
RASopathy. Also called: rasopathies; Noonan spectrum disorder. Identifiers: Orphanet 536391, MedGen C5555857, MONDO:0021060.

Submission:

Labcorp Genetics (formerly Invitae), Labcorp
Classification: Uncertain significance for RASopathy. Last evaluated: 2021-06-17. Review status: criteria provided, single submitter. Criteria: Invitae Variant Classification Sherloc (09022015). Collection method: clinical testing. Allele origin: germline.
Comment: This variant is not present in population databases (ExAC no frequency). This sequence change replaces asparagine with serine at codon 454 of the CBL protein (p.Asn454Ser). The asparagine residue is weakly conserved and there is a small physicochemical difference between asparagine and serine. This variant has not been reported in the literature in individuals with CBL-related conditions. In summary, the available evidence is currently insufficient to determine the role of this variant in disease. Therefore, it has been classified as a Variant of Uncertain Significance. Advanced modeling of protein sequence and biophysical properties (such as structural, functional, and spatial information, amino acid conservation, physicochemical variation, residue mobility, and thermodynamic stability) performed at Invitae indicates that this missense variant is not expected to disrupt CBL protein function.